The following is an entry in ClinVar:

ClinVar aggregate classification (germline): Uncertain significance (1 of 4 stars; one submission).

Conditions:
Hypertrophic cardiomyopathy. Also called: HYPERTROPHIC MYOCARDIOPATHY. Identifiers: Orphanet 217569, MedGen C0007194, MeSH D002312, MONDO:0005045, HP:0001639.

Submission:

Labcorp Genetics (formerly Invitae), Labcorp
Classification: Uncertain significance for Hypertrophic cardiomyopathy. Last evaluated: 2025-02-05. Review status: criteria provided, single submitter. Criteria: Invitae Variant Classification Sherloc (09022015). Collection method: clinical testing. Allele origin: germline.
Comment: This sequence change creates a premature translational stop signal (p.Lys982Asnfs*20) in the MYOM1 gene. It is expected to result in an absent or disrupted protein product. However, the current clinical and genetic evidence is not sufficient to establish whether loss-of-function variants in MYOM1 cause disease. This variant is not present in population databases (gnomAD no frequency). This variant has not been reported in the literature in individuals affected with MYOM1-related conditions. ClinVar contains an entry for this variant (Variation ID: 1373155). In summary, the available evidence is currently insufficient to determine the role of this variant in disease. Therefore, it has been classified as a Variant of Uncertain Significance.

NM_003803.4(MYOM1):c.2946del (p.Lys982fs)

Gene: MYOM1 (myomesin 1; minus strand). Cytogenetic location: 18p11.31.
Variant type: Deletion.
Coding change: c.2946del on transcript NM_003803.4 (MANE Select); coding-DNA position 2946, one base deleted (A; older notation c.2946delA).
Protein change: p.Lys982fs; shifts the reading frame from lysine 982.
Molecular consequence: frameshift variant.
Genome position (GRCh38, 1-based): chr18:3,126,746, T deleted on the plus strand (A on the coding strand, the reverse complement: MYOM1 is on the minus strand); the first of 4 consecutive T bases (chr18:3,126,746-3,126,749); deleting any one gives the same sequence. VCF-style (leftmost placement, unchanged base first): chr18-3126745-AT-A. GRCh37 (hg19) VCF-style: chr18-3126743-AT-A.
Other names: c.2658del, p.Lys886fs (NM_019856.2); short protein forms K886fs, K982fs.
Identifiers: ClinVar variation 1373155 (VCV001373155.6), dbSNP rs1191782014, ClinGen allele CA628483114.